The following is an entry in ClinVar:

NM_001267550.2(TTN):c.28399T>C (p.Tyr9467His)

Gene: TTN (titin; minus strand). Cytogenetic location: 2q31.2.
Variant type: single nucleotide variant.
Coding change: c.28399T>C on transcript NM_001267550.2 (MANE Select); coding-DNA position 28399, T replaced by C.
Protein change: p.Tyr9467His; replaces tyrosine 9467 with histidine.
Molecular consequence: missense variant. On other transcripts: intron variant (3).
Genome position (GRCh38, 1-based): chr2:178,710,698, A>G on the plus strand (T>C on the coding strand, the complement: TTN is on the minus strand). VCF-style: chr2-178710698-A-G. GRCh37 (hg19) VCF-style: chr2-179575425-A-G.
Other names: c.27448T>C, p.Tyr9150His (NM_001256850.1); c.24667T>C, p.Tyr8223His (NM_133378.4); c.13282+27384T>C (NM_003319.4); c.13858+27384T>C (NM_133437.4); c.13657+27384T>C (NM_133432.3); short protein forms Y9150H, Y9467H, Y8223H.
Identifiers: ClinVar variation 1034239 (VCV001034239.1), dbSNP rs2076528608, ClinGen allele CA349437929.

ClinVar aggregate classification (germline): Uncertain significance (1 of 4 stars; one submission).

Conditions:
Myopathy, myofibrillar, 9, with early respiratory failure (MFM9). Also called: Myopathy, distal, with early respiratory failure, autosomal dominant; EDSTROM MYOPATHY; MYOPATHY, PROXIMAL, WITH EARLY RESPIRATORY MUSCLE INVOLVEMENT; Hereditary myopathy with early respiratory failure. Identifiers: Orphanet 178464, Orphanet 34521, MedGen C1863599, MONDO:0011362, OMIM 603689.

Allele frequency attached by ClinVar (database versions not stated): gnomAD exomes below 0.00001.
gnomAD v4.1: 2 of 1,613,548 alleles (0.00012%); highest among the groups gnomAD compares: Non-Finnish European, 0.00017%; no homozygotes.

Submission:

Baylor Genetics
Classification: Uncertain significance for Myopathy, myofibrillar, 9, with early respiratory failure. Last evaluated: 2018-01-31. Review status: criteria provided, single submitter. Criteria: ACMG Guidelines, 2015. Collection method: clinical testing. Allele origin: paternal. Affected: yes.
Comment: This variant was determined to be of uncertain significance according to ACMG Guidelines, 2015 [PMID:25741868].